The following is an entry in ClinVar:

ClinVar aggregate classification (germline): Uncertain significance (1 of 4 stars; one submission).

Conditions:
Cardiovascular phenotype. Identifiers: MedGen CN230736.

Allele frequency attached by ClinVar (database versions not stated): gnomAD exomes below 0.00001; TOPMed 0.00001; gnomAD 0.00002.

Submission:

Ambry Genetics
Classification: Uncertain significance for Cardiovascular phenotype. Last evaluated: 2022-03-07. Review status: criteria provided, single submitter. Criteria: Ambry Variant Classification Scheme 2023. Collection method: clinical testing. Allele origin: germline.
Comment: The p.C258Y variant (also known as c.773G>A), located in coding exon 7 of the EFEMP2 gene, results from a G to A substitution at nucleotide position 773. The cysteine at codon 258 is replaced by tyrosine, an amino acid with highly dissimilar properties. This amino acid position is conserved. In addition, this alteration is predicted to be deleterious by in silico analysis. Since supporting evidence is limited at this time, the clinical significance of this alteration remains unclear.

NM_016938.5(EFEMP2):c.773G>A (p.Cys258Tyr)

Gene: EFEMP2 (EGF containing fibulin extracellular matrix protein 2; minus strand). Cytogenetic location: 11q13.1.
Variant type: single nucleotide variant.
Coding change: c.773G>A on transcript NM_016938.5 (MANE Select); coding-DNA position 773, G replaced by A.
Protein change: p.Cys258Tyr; replaces cysteine 258 with tyrosine.
Molecular consequence: missense variant. On other transcripts: non-coding transcript variant (1).
Genome position (GRCh38, 1-based): chr11:65,868,584, C>T on the plus strand (G>A on the coding strand, the complement: EFEMP2 is on the minus strand). VCF-style: chr11-65868584-C-T. GRCh37 (hg19) VCF-style: chr11-65636055-C-T.
Other names: short protein forms C258Y.
Identifiers: ClinVar variation 1760391 (VCV001760391.2), dbSNP rs1412207105, ClinGen allele CA381357078.
Genomic context (GRCh38, chr11:65,868,584, plus strand): 5'-GTGGCCAGCAGCTGGTAACCCTGTGGGCAGTGGCAGGAGAAACGGCCTGGCTCGTTGATG[C>T]AGCGGTACTGACAGAGGTAGCTGGAGTAGCTACACTCATCAATATCTGAGGAAGCATGGG-3'
Protein context (NP_058634.4, residues 248-268): SYSSYLCQYR[Cys258Tyr]INEPGRFSCH